The following is an entry in ClinVar:

NM_002723.6(PRB4):c.50A>G (p.Glu17Gly)

Gene: PRB4 (proline rich protein BstNI subfamily 4; minus strand). Cytogenetic location: 12p13.2.
Variant type: single nucleotide variant.
Coding change: c.50A>G on transcript NM_002723.6 (MANE Select); coding-DNA position 50, A replaced by G.
Protein change: p.Glu17Gly; replaces glutamic acid 17 with glycine.
Molecular consequence: missense variant.
Genome position (GRCh38, 1-based): chr12:11,310,349, T>C on the plus strand (A>G on the coding strand, the complement: PRB4 is on the minus strand). VCF-style: chr12-11310349-T-C. GRCh37 (hg19) VCF-style: chr12-11463283-T-C.
Other names: c.50A>G, p.Glu17Gly (NM_001261399.3); short protein forms E17G.
Identifiers: ClinVar variation 4820830 (VCV004820830.4).

ClinVar aggregate classification (germline): Likely benign (1 of 4 stars; one submission).

gnomAD v4.1: 5,186 of 1,614,196 alleles (0.32%); highest among the groups gnomAD compares: Non-Finnish European, 0.39%; 18 homozygotes.

Submission:

CeGaT Center for Human Genetics Tuebingen
Classification: Likely benign. Last evaluated: 2026-03-01. Review status: criteria provided, single submitter. Criteria: CeGaT Center For Human Genetics Tuebingen Variant Classification Criteria Version 2. Collection method: clinical testing. Allele origin: germline. Affected: yes. Observed: 1 variant allele.
Comment: PRB4: BP4, BS2